The following is an entry in ClinVar:

ClinVar aggregate classification (germline): Uncertain significance (1 of 4 stars; one submission).

Allele frequency attached by ClinVar (database versions not stated): gnomAD 0.00001 and 0.00002; gnomAD exomes 0.00001 and 0.00002; TOPMed 0.00002; ExAC 0.00004; ESP Exome Variant Server 0.00008.
gnomAD v4.1: 28 of 1,590,524 alleles (0.0018%); highest among the groups gnomAD compares: African/African-American, 0.004%; no homozygotes.

Submission:

Labcorp Genetics (formerly Invitae), Labcorp
Classification: Uncertain significance. Last evaluated: 2025-02-15. Review status: criteria provided, single submitter. Criteria: Invitae Variant Classification Sherloc (09022015). Collection method: clinical testing. Allele origin: germline.
Comment: This sequence change replaces arginine, which is basic and polar, with glutamine, which is neutral and polar, at codon 1444 of the RIMS1 protein (p.Arg1444Gln). The frequency data for this variant in the population databases is considered unreliable, as metrics indicate poor data quality at this position in the gnomAD database. This variant has not been reported in the literature in individuals affected with RIMS1-related conditions. ClinVar contains an entry for this variant (Variation ID: 1015707). An algorithm developed to predict the effect of missense changes on protein structure and function (PolyPhen-2) suggests that this variant is likely to be tolerated. In summary, the available evidence is currently insufficient to determine the role of this variant in disease. Therefore, it has been classified as a Variant of Uncertain Significance.

NM_014989.7(RIMS1):c.4331G>A (p.Arg1444Gln)

Gene: RIMS1 (regulating synaptic membrane exocytosis 1; plus strand). Cytogenetic location: 6q13.
Variant type: single nucleotide variant.
Coding change: c.4331G>A on transcript NM_014989.7 (MANE Select); coding-DNA position 4331, G replaced by A.
Protein change: p.Arg1444Gln; replaces arginine 1444 with glutamine.
Molecular consequence: missense variant. On other transcripts: intron variant (24).
Genome position (GRCh38, 1-based): chr6:72,333,800, G>A. VCF-style: chr6-72333800-G-A. GRCh37 (hg19) VCF-style: chr6-73043503-G-A.
Other names: c.2291G>A, p.Arg764Gln (NM_001168407.2); c.2252G>A, p.Arg751Gln (NM_001350414.2); c.2348G>A, p.Arg783Gln (NM_001350415.2); c.2297G>A, p.Arg766Gln (NM_001350416.2); c.2270G>A, p.Arg757Gln (NM_001350418.2); c.2405G>A, p.Arg802Gln (NM_001350420.2); c.2150G>A, p.Arg717Gln (NM_001350421.2); c.2039G>A, p.Arg680Gln (NM_001350423.2); and 53 more; short protein forms R1444Q, R608Q, R633Q, R659Q, R660Q, R661Q, R674Q, R675Q.
Identifiers: ClinVar variation 1015707 (VCV001015707.8), dbSNP rs377214599, ClinGen allele CA3886485.